The following is an entry in ClinVar:

ClinVar aggregate classification (germline): Uncertain significance (1 of 4 stars; one submission).

Conditions:
Joubert syndrome 25 (JBTS25). Identifiers: Orphanet 475, MedGen C4084842, MONDO:0014770, OMIM 616781.

Allele frequency attached by ClinVar (database versions not stated): ExAC 0.00005; gnomAD exomes 0.00009 and 0.00004; gnomAD 0.00002; TOPMed 0.00003.
gnomAD v4.1: 24 of 1,612,216 alleles (0.0015%); highest among the groups gnomAD compares: Admixed American, 0.04%; no homozygotes.

Submission:

Labcorp Genetics (formerly Invitae), Labcorp
Classification: Uncertain significance for Joubert syndrome 25. Last evaluated: 2021-12-25. Review status: criteria provided, single submitter. Criteria: Invitae Variant Classification Sherloc (09022015). Collection method: clinical testing. Allele origin: germline.
Comment: This sequence change replaces isoleucine, which is neutral and non-polar, with threonine, which is neutral and polar, at codon 240 of the CEP104 protein (p.Ile240Thr). This variant is present in population databases (rs752655065, gnomAD 0.07%). This variant has not been reported in the literature in individuals affected with CEP104-related conditions. ClinVar contains an entry for this variant (Variation ID: 1044082). Algorithms developed to predict the effect of missense changes on protein structure and function (SIFT, PolyPhen-2, Align-GVGD) all suggest that this variant is likely to be disruptive. In summary, the available evidence is currently insufficient to determine the role of this variant in disease. Therefore, it has been classified as a Variant of Uncertain Significance.

NM_014704.4(CEP104):c.719T>C (p.Ile240Thr)

Gene: CEP104 (centrosomal protein 104; minus strand). Cytogenetic location: 1p36.32.
Variant type: single nucleotide variant.
Coding change: c.719T>C on transcript NM_014704.4 (MANE Select); coding-DNA position 719, T replaced by C.
Protein change: p.Ile240Thr; replaces isoleucine 240 with threonine.
Molecular consequence: missense variant.
Genome position (GRCh38, 1-based): chr1:3,839,624, A>G on the plus strand (T>C on the coding strand, the complement: CEP104 is on the minus strand). VCF-style: chr1-3839624-A-G. GRCh37 (hg19) VCF-style: chr1-3756188-A-G.
Other names: short protein forms I240T.
Identifiers: ClinVar variation 1044082 (VCV001044082.8), dbSNP rs752655065, ClinGen allele CA551849.